The following is an entry in ClinVar:

ClinVar aggregate classification (germline): Benign. Review status: criteria provided, multiple submitters, no conflicts (2 of 4 stars). 13 submissions from 12 submitters: Benign (10). 3 of the submissions do not count toward it. Last evaluated 2026-02-04.

Conditions:
Autosomal recessive hypohidrotic ectodermal dysplasia syndrome. Also called: Autosomal recessive hypohidrotic ectodermal dysplasia. Identifiers: Orphanet 248, MedGen C0406702, MONDO:0016619.
Ectodermal dysplasia 10A, hypohidrotic/hair/nail type, autosomal dominant (ECTD10A). Also called: Ectodermal Dysplasia 3, Anhidrotic. Identifiers: Orphanet 1810, Orphanet 238468, MedGen C3888065, MONDO:0007509, OMIM 129490.
Hypohidrotic ectodermal dysplasia (HED). Identifiers: Orphanet 238468, MedGen C5848103, MONDO:0016535, HP:0007607.
Ectodermal dysplasia 10B, hypohidrotic/hair/tooth type, autosomal recessive. Also called: Ectodermal Dysplasia, Hypohidrotic, Autosomal Recessive; Ectodermal dysplasia 10B, hypohidrotic/hair/tooth type, autosomal. Identifiers: Orphanet 238468, Orphanet 248, MedGen C3887494, MONDO:0009147, OMIM 224900.

Allele frequency attached by ClinVar (database versions not stated): 1000 Genomes Project 0.71186; gnomAD exomes 0.82141; 1000 Genomes Project 30x 0.70066; TOPMed 0.71832; ExAC 0.81027; gnomAD 0.73040 and 0.72397; ESP Exome Variant Server 0.69929.
gnomAD v4.1: 1,310,602 of 1,613,426 alleles (81%); highest among the groups gnomAD compares: East Asian, 91%; 539,086 homozygotes.

Submissions (13):

Labcorp Genetics (formerly Invitae), Labcorp
Classification: Benign for Ectodermal dysplasia 10A, hypohidrotic/hair/nail type, autosomal dominant; Autosomal recessive hypohidrotic ectodermal dysplasia syndrome. Last evaluated: 2026-02-04. Review status: criteria provided, single submitter. Criteria: Invitae Variant Classification Sherloc (09022015). Collection method: clinical testing. Allele origin: germline.

ARUP Laboratories, Molecular Genetics and Genomics, ARUP Laboratories
Classification: Benign. Last evaluated: 2023-11-29. Review status: criteria provided, single submitter. Criteria: ARUP Molecular Germline Variant Investigation Process 2024. Collection method: clinical testing. Allele origin: germline.

Genome-Nilou Lab
Classification: Benign for Ectodermal dysplasia 10A, hypohidrotic/hair/nail type, autosomal dominant. Last evaluated: 2021-07-30. Review status: criteria provided, single submitter. Criteria: ACMG Guidelines, 2015. Collection method: clinical testing. Allele origin: germline. Affected: no.

Genome-Nilou Lab
Classification: Benign for Ectodermal dysplasia 10B, hypohidrotic/hair/tooth type, autosomal recessive. Last evaluated: 2021-07-30. Review status: criteria provided, single submitter. Criteria: ACMG Guidelines, 2015. Collection method: clinical testing. Allele origin: germline. Affected: no.

Illumina Laboratory Services, Illumina
Classification: Benign for Hypohidrotic ectodermal dysplasia. Last evaluated: 2018-01-12. Review status: criteria provided, single submitter. Criteria: ICSL Variant Classification Criteria 13 December 2019. Collection method: clinical testing. Allele origin: germline.
Comment: This variant was observed in the ICSL laboratory as part of a predisposition screen in an ostensibly healthy population. It had not been previously curated by ICSL or reported in the Human Gene Mutation Database (HGMD: prior to June 1st, 2018), and was therefore a candidate for classification through an automated scoring system. Utilizing variant allele frequency, disease prevalence and penetrance estimates, and inheritance mode, an automated score was calculated to assess if this variant is too frequent to cause the disease. Based on the score and internal cut-off values, a variant classified as benign is not then subjected to further curation. The score for this variant resulted in a classification of benign for this disease.

Eurofins Ntd Llc (ga)
Classification: Benign. Last evaluated: 2016-04-19. Review status: criteria provided, single submitter. Criteria: EGL Classification Definitions 2015. Collection method: clinical testing. Allele origin: germline. Observed: 2 variant alleles, 2 homozygotes.

GeneDx
Classification: Benign. Last evaluated: 2015-03-03. Review status: criteria provided, single submitter. Criteria: GeneDx Variant Classification Process June 2021. Collection method: clinical testing. Allele origin: germline. Affected: yes.

Laboratory for Molecular Medicine, Mass General Brigham Personalized Medicine
Classification: Benign. Last evaluated: 2014-11-12. Review status: criteria provided, single submitter. Criteria: LMM Criteria. Collection method: clinical testing. Allele origin: germline. Observed: 11 variant alleles.

Breakthrough Genomics
Classification: Benign. Review status: criteria provided, single submitter. Criteria: ACMG Guidelines, 2015. Collection method: not provided. Allele origin: germline. Inheritance: Autosomal recessive inheritance. Affected: yes.

PreventionGenetics, part of Exact Sciences
Classification: Benign. Review status: criteria provided, single submitter. Criteria: ACMG Guidelines, 2015. Collection method: clinical testing. Allele origin: germline.

Diagnostic Laboratory, Department of Genetics, University Medical Center Groningen
Classification: Benign. Review status: no assertion criteria provided. Collection method: clinical testing. Allele origin: germline. Affected: yes. Study: VKGL Data-share Consensus. Not counted in ClinVar's aggregate classification.

Genome Diagnostics Laboratory, University Medical Center Utrecht
Classification: Benign. Review status: no assertion criteria provided. Collection method: clinical testing. Allele origin: germline. Affected: yes. Study: VKGL Data-share Consensus. Not counted in ClinVar's aggregate classification.

Genomic Research Center, Shahid Beheshti University of Medical Sciences
Classification: Uncertain significance. Review status: no assertion criteria provided. Collection method: not provided. Allele origin: somatic. Not counted in ClinVar's aggregate classification.
ClinVar note: Converted during submission from unknown to Uncertain significance.

NM_022336.4(EDAR):c.1056C>T (p.Cys352=)

Genes: EDAR (ectodysplasin A receptor; minus strand), RANBP2 (RAN binding protein 2; plus strand). Cytogenetic location: 2q13.
Variant type: single nucleotide variant.
Coding change: c.1056C>T on transcript NM_022336.4 (MANE Select); coding-DNA position 1056, C replaced by T.
Protein change: p.Cys352=; no amino-acid change (cysteine 352 retained).
Molecular consequence: synonymous variant.
Genome position (GRCh38, 1-based): chr2:108,897,198, G>A on the plus strand (C>T on the coding strand, the complement: EDAR is on the minus strand). VCF-style: chr2-108897198-G-A. GRCh37 (hg19) VCF-style: chr2-109513654-G-A.
Identifiers: ClinVar variation 155865 (VCV000155865.42), dbSNP rs12623957, ClinGen allele CA210913.